The following is an entry in ClinVar:

NM_000535.7(PMS2):c.915C>A (p.Leu305=)

Gene: PMS2 (PMS1 homolog 2, mismatch repair system component; minus strand). Cytogenetic location: 7p22.1.
Variant type: single nucleotide variant.
Coding change: c.915C>A on transcript NM_000535.7 (MANE Select); coding-DNA position 915, C replaced by A.
Protein change: p.Leu305=; no amino-acid change (leucine 305 retained).
Molecular consequence: synonymous variant. On other transcripts: 5 prime UTR variant (2), non-coding transcript variant (1).
Genome position (GRCh38, 1-based): chr7:5,992,046, G>T on the plus strand (C>A on the coding strand, the complement: PMS2 is on the minus strand). VCF-style: chr7-5992046-G-T. GRCh37 (hg19) VCF-style: chr7-6031677-G-T.
Other names: c.510C>A, p.Leu170= (NM_001322003.2, NM_001322004.2, NM_001322005.2 and 2 more transcripts); c.915C>A, p.Leu305= (NM_001322006.2, NM_001322014.2); c.597C>A, p.Leu199= (NM_001322007.2, NM_001322008.2); c.-19C>A (NM_001322011.2, NM_001322012.2); c.342C>A, p.Leu114= (NM_001322013.2); c.606C>A, p.Leu202= (NM_001322015.2).
Identifiers: ClinVar variation 919098 (VCV000919098.6), dbSNP rs767392742, ClinGen allele CA453645397.
Genomic context (GRCh38, chr7:5,992,046, plus strand): 5'-AATGTTAAGAACAACAAATGGATACTGGTGTCGATTATACATGTGGTAGACCTCATTCAC[G>T]AGTCTGCAGACCTGCACAAAATACAAGGAGTAGAAAAGAATAAATGACAAATGTTCCCAG-3'
Protein context (NP_000526.2, residues 295-315): RPCDPAKVCR[Leu305=]VNEVYHMYNR

ClinVar aggregate classification (germline): Benign/Likely benign. Review status: criteria provided, multiple submitters, no conflicts (2 of 4 stars). 4 submissions from 4 submitters: Benign (1); Likely benign (3). Last evaluated 2025-06-09.

Conditions:
Hereditary nonpolyposis colorectal neoplasms. Identifiers: MedGen C0009405, MeSH D003123.
Hereditary cancer-predisposing syndrome. Also called: Neoplastic Syndromes, Hereditary; Tumor predisposition; Hereditary Cancer Syndrome; Hereditary neoplastic syndrome. Identifiers: Orphanet 140162, MedGen C0027672, MeSH D009386, MONDO:0015356.
Lynch syndrome 4 (LYNCH4). Also called: Colorectal cancer, hereditary nonpolyposis, type 4; Hereditary non-polyposis colorectal cancer, type 4. Identifiers: Orphanet 144, MedGen C1838333, MONDO:0013699, OMIM 614337. Disease mechanism: loss of function.

gnomAD v4.1: 2 of 1,569,614 alleles (0.00013%); highest among the groups gnomAD compares: Non-Finnish European, 0.00018%; no homozygotes.

Submissions (4):

Labcorp Genetics (formerly Invitae), Labcorp
Classification: Likely benign for Hereditary nonpolyposis colorectal neoplasms. Last evaluated: 2025-06-09. Review status: criteria provided, single submitter. Criteria: Invitae Variant Classification Sherloc (09022015). Collection method: clinical testing. Allele origin: germline.

Myriad Genetics, Inc.
Classification: Benign for Lynch syndrome 4. Last evaluated: 2025-01-29. Review status: criteria provided, single submitter. Criteria: Myriad Autosomal Dominant, Autosomal Recessive and X-Linked Classification Criteria (2023). Collection method: clinical testing. Allele origin: unknown.
Comment: This variant is considered benign. This variant is a silent/synonymous amino acid change and it is not expected to impact splicing.

Ambry Genetics
Classification: Likely benign for Hereditary cancer-predisposing syndrome. Last evaluated: 2020-03-14. Review status: criteria provided, single submitter. Criteria: Ambry Variant Classification Scheme 2023. Collection method: clinical testing. Allele origin: germline.

Color Diagnostics, LLC DBA Color Health
Classification: Likely benign for Hereditary cancer-predisposing syndrome. Last evaluated: 2020-03-02. Review status: criteria provided, single submitter. Criteria: ACMG Guidelines, 2015. Collection method: clinical testing. Allele origin: germline.